The following is an entry in ClinVar:

NM_001145358.2(SIN3A):c.640del (p.His214fs)

Gene: SIN3A (SIN3 transcription regulator family member A; minus strand). Cytogenetic location: 15q24.2.
Variant type: Deletion.
Coding change: c.640del on transcript NM_001145358.2 (MANE Select); coding-DNA position 640, one base deleted (C; older notation c.640delC).
Protein change: p.His214fs; shifts the reading frame from histidine 214.
Molecular consequence: frameshift variant.
Genome position (GRCh38, 1-based): chr15:75,412,879, G deleted on the plus strand (C on the coding strand, the reverse complement: SIN3A is on the minus strand); the first of 3 consecutive G bases (chr15:75,412,879-75,412,881); deleting any one gives the same sequence. VCF-style (leftmost placement, unchanged base first): chr15-75412878-TG-T. GRCh37 (hg19) VCF-style: chr15-75705219-TG-T.
Other names: c.640del, p.His214fs (NM_001145357.2, NM_001437462.1, NM_001437463.1 and 1 more transcripts); short protein forms H214fs.
Identifiers: ClinVar variation 4727488 (VCV004727488.1).

ClinVar aggregate classification (germline): Pathogenic (1 of 4 stars; one submission).

Submission:

Labcorp Genetics (formerly Invitae), Labcorp
Classification: Pathogenic. Last evaluated: 2025-09-27. Review status: criteria provided, single submitter. Criteria: Invitae Variant Classification Sherloc (09022015). Collection method: clinical testing. Allele origin: germline.
Comment: This sequence change creates a premature translational stop signal (p.His214Metfs*73) in the SIN3A gene. It is expected to result in an absent or disrupted protein product. Loss-of-function variants in SIN3A are known to be pathogenic (PMID: 27399968). This variant is not present in population databases (gnomAD no frequency). This variant has not been reported in the literature in individuals affected with SIN3A-related conditions. For these reasons, this variant has been classified as Pathogenic.

Literature cited by the submitters: PubMed 27399968.